The following is an entry in ClinVar:

ClinVar aggregate classification (germline): Uncertain significance (1 of 4 stars; one submission).

Allele frequency attached by ClinVar (database versions not stated): TOPMed below 0.00001.

Submission:

Labcorp Genetics (formerly Invitae), Labcorp
Classification: Uncertain significance. Last evaluated: 2022-06-27. Review status: criteria provided, single submitter. Criteria: Invitae Variant Classification Sherloc (09022015). Collection method: clinical testing. Allele origin: germline.
Comment: In summary, the available evidence is currently insufficient to determine the role of this variant in disease. Therefore, it has been classified as a Variant of Uncertain Significance. Algorithms developed to predict the effect of missense changes on protein structure and function (SIFT, PolyPhen-2, Align-GVGD) all suggest that this variant is likely to be disruptive. This variant has not been reported in the literature in individuals affected with NBAS-related conditions. This variant is not present in population databases (gnomAD no frequency). This sequence change replaces leucine, which is neutral and non-polar, with glutamine, which is neutral and polar, at codon 1766 of the NBAS protein (p.Leu1766Gln).

NM_015909.4(NBAS):c.5297T>A (p.Leu1766Gln)

Gene: NBAS (NBAS subunit of NRZ tethering complex; minus strand). Cytogenetic location: 2p24.3.
Variant type: single nucleotide variant.
Coding change: c.5297T>A on transcript NM_015909.4 (MANE Select); coding-DNA position 5297, T replaced by A.
Protein change: p.Leu1766Gln; replaces leucine 1766 with glutamine.
Molecular consequence: missense variant. On other transcripts: non-coding transcript variant (1).
Genome position (GRCh38, 1-based): chr2:15,276,943, A>T on the plus strand (T>A on the coding strand, the complement: NBAS is on the minus strand). VCF-style: chr2-15276943-A-T. GRCh37 (hg19) VCF-style: chr2-15417067-A-T.
Other names: short protein forms L1766Q.
Identifiers: ClinVar variation 1985257 (VCV001985257.4), dbSNP rs1294584287, ClinGen allele CA345883631.